The following is an entry in ClinVar:

NM_002471.4(MYH6):c.5648A>T (p.Gln1883Leu)

Gene: MYH6 (myosin heavy chain 6; minus strand). Cytogenetic location: 14q11.2.
Variant type: single nucleotide variant.
Coding change: c.5648A>T on transcript NM_002471.4 (MANE Select); coding-DNA position 5648, A replaced by T.
Protein change: p.Gln1883Leu; replaces glutamine 1883 with leucine.
Molecular consequence: missense variant.
Genome position (GRCh38, 1-based): chr14:23,383,238, T>A on the plus strand (A>T on the coding strand, the complement: MYH6 is on the minus strand). VCF-style: chr14-23383238-T-A. GRCh37 (hg19) VCF-style: chr14-23852447-T-A.
Other names: short protein forms Q1883L.
Identifiers: ClinVar variation 3027062 (VCV003027062.22), dbSNP rs2502132216, ClinGen allele CA388983039.

ClinVar aggregate classification (germline): Uncertain significance (1 of 4 stars; one submission).

Submission:

CeGaT Center for Human Genetics Tuebingen
Classification: Uncertain significance. Last evaluated: 2024-01-01. Review status: criteria provided, single submitter. Criteria: CeGaT Center For Human Genetics Tuebingen Variant Classification Criteria Version 2. Collection method: clinical testing. Allele origin: germline. Affected: yes. Observed: 1 variant allele.
Comment: MYH6: PM2